The following is an entry in ClinVar:

NM_153700.2(STRC):c.5125A>G (p.Thr1709Ala)

Gene: STRC (stereocilin; minus strand). Cytogenetic location: 15q15.3.
Variant type: single nucleotide variant.
Coding change: c.5125A>G on transcript NM_153700.2 (MANE Select); coding-DNA position 5125, A replaced by G.
Protein change: p.Thr1709Ala; replaces threonine 1709 with alanine.
Molecular consequence: missense variant.
Genome position (GRCh38, 1-based): chr15:43,600,074, T>C on the plus strand (A>G on the coding strand, the complement: STRC is on the minus strand). VCF-style: chr15-43600074-T-C. GRCh37 (hg19) VCF-style: chr15-43892272-T-C.
Other names: p.(Thr1709Ala); short protein forms T1709A.
Identifiers: ClinVar variation 505381 (VCV000505381.18), dbSNP rs1336307815, ClinGen allele CA392158589.

ClinVar aggregate classification (germline): Conflicting classifications of pathogenicity. Review status: criteria provided, conflicting classifications (1 of 4 stars). 5 submissions from 5 submitters: Likely pathogenic (3); Uncertain significance (2). Last evaluated 2026-05-26.

Conditions:
STRC-related disorder. Also called: STRC-related condition.
Rare genetic deafness. Identifiers: Orphanet 96210, MedGen C5680250.

Submissions (5):

PreventionGenetics, part of Exact Sciences
Classification: Uncertain significance for STRC-related condition. Last evaluated: 2026-05-26. Review status: criteria provided, single submitter. Criteria: ACMG Guidelines, 2015. Collection method: clinical testing. Allele origin: germline.
Comment: The STRC c.5125A>G variant is predicted to result in the amino acid substitution p.Thr1709Ala. This variant in exon 28 of the STRC gene corresponds to a known STRCP1 pseudogene variant. This variant has been reported in the compound heterozygous state with another potentially causative variant in three patients with hearing loss and was Sanger confirmed using primers specific to the STRC functional gene (Patient 24 along with c.2303_2313+1del12, Vona et al. 2015. PubMed ID: 26011646; Patient SB175-334 along with c.2303delG, Kim et al. 2016. PubMed ID: 27057829; same patient SB175-334 but second variant now described as c.2303_2313+1del, Kim et al. 2020. PubMed ID: 32203226; Patient S1537 along with c.4545+2_4545+6del, Baux et al. 2017. PubMed ID: 29196752). This variant has been reported along with a second causative variant (not specified) in a fourth patient with hearing loss by another laboratory in ClinVar (ID: 505381). This variant is reported in 0.061% of alleles in individuals of East Asian descent in gnomAD, but this data may be inaccurate due to misalignment of NGS reads between the functional and pseudogene. Although we suspect that this variant may be pathogenic, at this time, the clinical significance of this variant is uncertain due to the absence of conclusive functional and genetic evidence.

CeGaT Center for Human Genetics Tuebingen
Classification: Likely pathogenic. Last evaluated: 2025-09-01. Review status: criteria provided, single submitter. Criteria: CeGaT Center For Human Genetics Tuebingen Variant Classification Criteria Version 2. Collection method: clinical testing. Allele origin: germline. Affected: yes. Observed: 1 variant allele.
Comment: STRC: PM3:Strong, PM2

Blueprint Genetics
Classification: Uncertain significance. Last evaluated: 2023-02-17. Review status: criteria provided, single submitter. Criteria: ACMG Guidelines, 2015. Collection method: clinical testing. Allele origin: germline.

Laboratory for Molecular Medicine, Mass General Brigham Personalized Medicine
Classification: Likely pathogenic for Rare genetic deafness. Last evaluated: 2023-02-02. Review status: criteria provided, single submitter. Criteria: ACMG Guidelines, 2015. Collection method: clinical testing. Allele origin: germline. Inheritance: Autosomal recessive inheritance.
Comment: The p.Thr1709Ala variant in STRC has been reported in 4 individuals with hearing loss, all of whom carried a second pathogenic STRC variant (Vona 2015, Kim 2016, Baux 2017, LMM data). It has also been identified in 0.06% (12/19778) of East Asian chromosomes by gnomAD. Computational prediction tools and conservation analysis suggest that the variant may impact the protein, though this information is not predictive enough to determine pathogenicity. In summary, although additional studies are required to fully establish its clinical significance, this variant meets criteria to be classified as likely pathogenic for autosomal recessive nonsyndromic hearing loss. ACMG/AMP Criteria applied: PM3_Strong, PM2_Supporting, PP3. (This variant did not meet the variant calling quality criteria, and was included because it has been previously reported as a clinically significant variant.)

Mayo Clinic Laboratories, Mayo Clinic
Classification: Likely pathogenic. Last evaluated: 2022-02-21. Review status: criteria provided, single submitter. Criteria: ACMG Guidelines, 2015. Collection method: clinical testing. Allele origin: germline. Observed: 1 variant allele.
Comment: PM2_supporting, PM3

Literature cited by the submitters: PubMed 27057829 (cited by Laboratory for Molecular Medicine, Mass General Brigham Personalized Medicine); PubMed 26011646 (cited by Laboratory for Molecular Medicine, Mass General Brigham Personalized Medicine); PubMed 29196752 (cited by Laboratory for Molecular Medicine, Mass General Brigham Personalized Medicine).